The following is an entry in ClinVar:

NM_182914.3(SYNE2):c.19272C>T (p.Asp6424=)

Gene: SYNE2 (spectrin repeat containing nuclear envelope protein 2; plus strand). Cytogenetic location: 14q23.2.
Variant type: single nucleotide variant.
Coding change: c.19272C>T on transcript NM_182914.3 (MANE Select); coding-DNA position 19272, C replaced by T.
Protein change: p.Asp6424=; no amino-acid change (aspartic acid 6424 retained).
Molecular consequence: synonymous variant.
Genome position (GRCh38, 1-based): chr14:64,214,409, C>T. VCF-style: chr14-64214409-C-T. GRCh37 (hg19) VCF-style: chr14-64681127-C-T.
Other names: c.19272C>T, p.Asp6424= (NM_015180.6); c.174C>T, p.Asp58= (NM_182913.4).
Identifiers: ClinVar variation 1669101 (VCV001669101.33), dbSNP rs774346816, ClinGen allele CA7224362.

ClinVar aggregate classification (germline): Likely benign. Review status: criteria provided, multiple submitters, no conflicts (2 of 4 stars). 3 submissions from 3 submitters: Likely benign (3). Last evaluated 2025-10-02.

Conditions:
Emery-Dreifuss muscular dystrophy 5, autosomal dominant (EDMD5). Also called: EMERY-DREIFUSS MUSCULAR DYSTROPHY 5. Identifiers: Orphanet 261, MedGen C2751805, MONDO:0013072, OMIM 612999.

Allele frequency attached by ClinVar (database versions not stated): ExAC 0.00002; gnomAD 0.00002; TOPMed 0.00002; gnomAD exomes 0.00003.
gnomAD v4.1: 22 of 1,613,952 alleles (0.0014%); highest among the groups gnomAD compares: Middle Eastern, 0.016%; no homozygotes.

Submissions (3):

Labcorp Genetics (formerly Invitae), Labcorp
Classification: Likely benign for Emery-Dreifuss muscular dystrophy 5, autosomal dominant. Last evaluated: 2025-10-02. Review status: criteria provided, single submitter. Criteria: Invitae Variant Classification Sherloc (09022015). Collection method: clinical testing. Allele origin: germline.

Blueprint Genetics
Classification: Likely benign. Last evaluated: 2024-07-01. Review status: criteria provided, single submitter. Criteria: ACMG Guidelines, 2015. Collection method: clinical testing. Allele origin: germline.

CeGaT Center for Human Genetics Tuebingen
Classification: Likely benign. Last evaluated: 2023-03-01. Review status: criteria provided, single submitter. Criteria: CeGaT Center For Human Genetics Tuebingen Variant Classification Criteria Version 2. Collection method: clinical testing. Allele origin: germline. Affected: yes. Observed: 1 variant allele.
Comment: SYNE2: BP4, BP7